The following is an entry in ClinVar:

NM_001260.3(CDK8):c.212G>A (p.Arg71Gln)

Gene: CDK8 (cyclin dependent kinase 8; plus strand). Cytogenetic location: 13q12.13.
Variant type: single nucleotide variant.
Coding change: c.212G>A on transcript NM_001260.3 (MANE Select); coding-DNA position 212, G replaced by A.
Protein change: p.Arg71Gln; replaces arginine 71 with glutamine.
Molecular consequence: missense variant. On other transcripts: 5 prime UTR variant (1).
Genome position (GRCh38, 1-based): chr13:26,349,079, G>A. VCF-style: chr13-26349079-G-A. GRCh37 (hg19) VCF-style: chr13-26923216-G-A.
Other names: c.212G>A, p.Arg71Gln (NM_001318368.2); c.-250G>A (NM_001346501.2); short protein forms R71Q.
Identifiers: ClinVar variation 1708079 (VCV001708079.1), dbSNP rs2542404715, ClinGen allele CA387683406.

ClinVar aggregate classification (germline): Likely benign (1 of 4 stars; one submission).

Conditions:
Intellectual developmental disorder with hypotonia and behavioral abnormalities. Identifiers: MedGen C5231489, MONDO:0032897, OMIM 618748.

Submission:

Laboratory of Medical Genetics, National & Kapodistrian University of Athens
Classification: Likely benign for Intellectual developmental disorder with hypotonia and behavioral abnormalities. Last evaluated: 2021-11-19. Review status: criteria provided, single submitter. Criteria: ACMG Guidelines, 2015. Collection method: clinical testing. Allele origin: paternal. Affected: yes.
Comment: PM2, PP2, PP3, BS2